The following is an entry in ClinVar:

ClinVar aggregate classification (germline): Uncertain significance (1 of 4 stars; one submission).

Allele frequency attached by ClinVar (database versions not stated): gnomAD 0.00001.
gnomAD v4.1: 7 of 1,480,534 alleles (0.00047%); highest among the groups gnomAD compares: South Asian, 0.0013%; no homozygotes.

Submission:

Labcorp Genetics (formerly Invitae), Labcorp
Classification: Uncertain significance. Last evaluated: 2024-11-11. Review status: criteria provided, single submitter. Criteria: Invitae Variant Classification Sherloc (09022015). Collection method: clinical testing. Allele origin: germline.
Comment: This sequence change replaces glycine, which is neutral and non-polar, with arginine, which is basic and polar, at codon 972 of the CACNA1B protein (p.Gly972Arg). This variant is not present in population databases (gnomAD no frequency). This variant has not been reported in the literature in individuals affected with CACNA1B-related conditions. ClinVar contains an entry for this variant (Variation ID: 1912769). Invitae Evidence Modeling of protein sequence and biophysical properties (such as structural, functional, and spatial information, amino acid conservation, physicochemical variation, residue mobility, and thermodynamic stability) indicates that this missense variant is not expected to disrupt CACNA1B protein function with a negative predictive value of 80%. In summary, the available evidence is currently insufficient to determine the role of this variant in disease. Therefore, it has been classified as a Variant of Uncertain Significance.

NM_000718.4(CACNA1B):c.2914G>A (p.Gly972Arg)

Gene: CACNA1B (calcium voltage-gated channel subunit alpha1 B; plus strand). Cytogenetic location: 9q34.3.
Variant type: single nucleotide variant.
Coding change: c.2914G>A on transcript NM_000718.4 (MANE Select); coding-DNA position 2914, G replaced by A.
Protein change: p.Gly972Arg; replaces glycine 972 with arginine.
Molecular consequence: missense variant.
Genome position (GRCh38, 1-based): chr9:138,023,657, G>A. VCF-style: chr9-138023657-G-A. GRCh37 (hg19) VCF-style: chr9-140918109-G-A.
Other names: c.2914G>A, p.Gly972Arg (NM_001243812.2); short protein forms G972R.
Identifiers: ClinVar variation 1912769 (VCV001912769.5), dbSNP rs1260540391, ClinGen allele CA375810400.